The following is an entry in ClinVar:

ClinVar aggregate classification (germline): Likely benign (1 of 4 stars; one submission).

Conditions:
EP300-related disorder. Also called: EP300-related condition; EP300-related disorders.

gnomAD v4.1: 10 of 1,612,016 alleles (0.00062%); highest among the groups gnomAD compares: Non-Finnish European, 0.00085%; no homozygotes.

Submission:

PreventionGenetics, part of Exact Sciences
Classification: Likely benign for EP300-related condition. Last evaluated: 2025-07-03. Review status: criteria provided, single submitter. Criteria: ACMG Guidelines, 2015. Collection method: clinical testing. Allele origin: germline.
Comment: This variant is classified as likely benign based on ACMG/AMP sequence variant interpretation guidelines (Richards et al. 2015 PMID: 25741868, with internal and published modifications).

NM_001429.4(EP300):c.2217G>A (p.Leu739=)

Gene: EP300 (EP300 lysine acetyltransferase; plus strand). Cytogenetic location: 22q13.2.
Variant type: single nucleotide variant.
Coding change: c.2217G>A on transcript NM_001429.4 (MANE Select); coding-DNA position 2217, G replaced by A.
Protein change: p.Leu739=; no amino-acid change (leucine 739 retained).
Molecular consequence: synonymous variant.
Genome position (GRCh38, 1-based): chr22:41,147,922, G>A. VCF-style: chr22-41147922-G-A. GRCh37 (hg19) VCF-style: chr22-41543926-G-A.
Other names: c.2139G>A, p.Leu713= (NM_001362843.2).
Identifiers: ClinVar variation 4990423 (VCV004990423.1).